The following is an entry in ClinVar:

NM_022552.5(DNMT3A):c.448+17A>T

Gene: DNMT3A (DNA methyltransferase 3 alpha; minus strand). Cytogenetic location: 2p23.3.
Variant type: single nucleotide variant.
Coding change: c.448+17A>T on transcript NM_022552.5 (MANE Select); 17 bases into the intron after coding-DNA position 448, A replaced by T.
Molecular consequence: intron variant. On other transcripts: synonymous variant (2).
Genome position (GRCh38, 1-based): chr2:25,282,424, T>A on the plus strand (A>T on the coding strand, the complement: DNMT3A is on the minus strand). VCF-style: chr2-25282424-T-A. GRCh37 (hg19) VCF-style: chr2-25505293-T-A.
Other names: c.465A>T, p.Pro155= (NM_001320892.2, NM_175630.1); c.448+17A>T (NM_175629.2).
Identifiers: ClinVar variation 3354045 (VCV003354045.1).

ClinVar aggregate classification (germline): Likely benign (0 of 4 stars; one submission).

Conditions:
DNMT3A-related disorder. Also called: DNMT3A-related disorders; DNMT3A-related condition.

gnomAD v4.1: 3 of 1,610,016 alleles (0.00019%); highest among the groups gnomAD compares: African/African-American, 0.004%; no homozygotes.

Submission:

PreventionGenetics, part of Exact Sciences
Classification: Likely benign for DNMT3A-related condition. Last evaluated: 2022-04-26. Review status: no assertion criteria provided. Collection method: clinical testing. Allele origin: germline.
Comment: This variant is classified as likely benign based on ACMG/AMP sequence variant interpretation guidelines (Richards et al. 2015 PMID: 25741868, with internal and published modifications).